The following is an entry in ClinVar:

NM_001354768.3(NRL):c.196C>G (p.Arg66Gly)

Gene: NRL (neural retina leucine zipper; minus strand). Cytogenetic location: 14q11.2.
Variant type: single nucleotide variant.
Coding change: c.196C>G on transcript NM_001354768.3 (MANE Select); coding-DNA position 196, C replaced by G.
Protein change: p.Arg66Gly; replaces arginine 66 with glycine.
Molecular consequence: missense variant. On other transcripts: intron variant (1).
Genome position (GRCh38, 1-based): chr14:24,082,653, G>C on the plus strand (C>G on the coding strand, the complement: NRL is on the minus strand). VCF-style: chr14-24082653-G-C. GRCh37 (hg19) VCF-style: chr14-24551862-G-C.
Other names: c.196C>G, p.Arg66Gly (NM_001354769.1, NM_006177.5); c.66+130C>G (NM_001354770.2); short protein forms R66G.
Identifiers: ClinVar variation 1510220 (VCV001510220.9), dbSNP rs201143735, ClinGen allele CA7122912.

ClinVar aggregate classification (germline): Uncertain significance. Review status: criteria provided, multiple submitters, no conflicts (2 of 4 stars). 2 submissions from 2 submitters: Uncertain significance (2). Last evaluated 2021-08-10.

Submissions (2):

Blueprint Genetics
Classification: Uncertain significance. Last evaluated: 2021-08-10. Review status: criteria provided, single submitter. Criteria: ACMG Guidelines, 2015. Collection method: clinical testing. Allele origin: germline.

Labcorp Genetics (formerly Invitae), Labcorp
Classification: Uncertain significance. Last evaluated: 2021-06-07. Review status: criteria provided, single submitter. Criteria: Invitae Variant Classification Sherloc (09022015). Collection method: clinical testing. Allele origin: germline.
Comment: In summary, the available evidence is currently insufficient to determine the role of this variant in disease. Therefore, it has been classified as a Variant of Uncertain Significance. Algorithms developed to predict the effect of missense changes on protein structure and function (SIFT, PolyPhen-2, Align-GVGD) all suggest that this variant is likely to be tolerated, but these predictions have not been confirmed by published functional studies and their clinical significance is uncertain. This variant has not been reported in the literature in individuals with NRL-related conditions. This variant is present in population databases (rs201143735, ExAC 0.01%). This sequence change replaces arginine with glycine at codon 66 of the NRL protein (p.Arg66Gly). The arginine residue is highly conserved and there is a moderate physicochemical difference between arginine and glycine.